The following is an entry in ClinVar:

NM_000520.6(HEXA):c.1257del (p.Trp420fs)

Gene: HEXA (hexosaminidase subunit alpha; minus strand). Cytogenetic location: 15q23.
Variant type: Deletion.
Coding change: c.1257del on transcript NM_000520.6 (MANE Select); coding-DNA position 1257, one base deleted (C; older notation c.1257delC).
Protein change: p.Trp420fs; shifts the reading frame from tryptophan 420.
Molecular consequence: frameshift variant.
Genome position (GRCh38, 1-based): chr15:72,346,600, G deleted on the plus strand (C on the coding strand, the reverse complement: HEXA is on the minus strand); the first of 5 consecutive G bases (chr15:72,346,600-72,346,604); deleting any one gives the same sequence. VCF-style (leftmost placement, unchanged base first): chr15-72346599-AG-A. GRCh37 (hg19) VCF-style: chr15-72638940-AG-A.
Other names: c.1290del, p.Trp431fs (NM_001318825.2); short protein forms W420fs, W431fs.
Identifiers: ClinVar variation 4818714 (VCV004818714.1).

ClinVar aggregate classification (germline): Likely pathogenic (1 of 4 stars; one submission).

Conditions:
Tay-Sachs disease (TSD). Also called: HEXA DEFICIENCY; HEXA Disorders; GM2 gangliosidosis, type 1; Hexosaminidase alpha-subunit deficiency (variant B); Sphingolipidosis, Tay-Sachs; Hexosaminidase A Deficiency. Identifiers: Orphanet 845, MedGen C0039373, MONDO:0010100, OMIM 272800.

Submission:

Natera, Inc.
Classification: Likely pathogenic for Tay-Sachs disease. Last evaluated: 2025-10-08. Review status: criteria provided, single submitter. Criteria: Natera Variant Classification Schema (03/2026). Collection method: clinical testing. Allele origin: germline.
Comment: The c.1257delC variant in HEXA is a frameshift variant predicted to shift the reading frame beginning at codon 420 and leads to a stop codon 3 codons downstream. This variant is expected to result in nonsense mediated decay, truncation, or a dysfunctional protein product. This variant is rare in the general population with a frequency below the threshold expected for the associated phenotype(s). Given the available evidence, this variant is classified as Likely Pathogenic.